The following is an entry in ClinVar:

NM_001365276.2(TNXB):c.8041G>A (p.Val2681Ile)

Gene: TNXB (tenascin XB; minus strand). Cytogenetic location: 6p21.33.
Variant type: single nucleotide variant.
Coding change: c.8041G>A on transcript NM_001365276.2 (MANE Select); coding-DNA position 8041, G replaced by A.
Protein change: p.Val2681Ile; replaces valine 2681 with isoleucine.
Molecular consequence: missense variant.
Genome position (GRCh38, 1-based): chr6:32,056,688, C>T on the plus strand (G>A on the coding strand, the complement: TNXB is on the minus strand). VCF-style: chr6-32056688-C-T. GRCh37 (hg19) VCF-style: chr6-32024465-C-T.
Other names: c.8782G>A, p.Val2928Ile (NM_001428335.1); c.8041G>A, p.Val2681Ile (NM_019105.8); short protein forms V2681I, V2928I.
Identifiers: ClinVar variation 4824414 (VCV004824414.1).

ClinVar aggregate classification (germline): Uncertain significance (1 of 4 stars; one submission).

Conditions:
Cardiovascular phenotype. Identifiers: MedGen CN230736.

gnomAD v4.1: 1 of 1,613,134 alleles (0.000062%); highest among the groups gnomAD compares: Non-Finnish European, 0.000085%; no homozygotes.

Submission:

Ambry Genetics
Classification: Uncertain significance for Cardiovascular phenotype. Last evaluated: 2026-02-15. Review status: criteria provided, single submitter. Criteria: Ambry Variant Classification Scheme 2023. Collection method: clinical testing. Allele origin: germline.
Comment: The p.V2681I variant (also known as c.8041G>A), located in coding exon 22 of the TNXB gene, results from a G to A substitution at nucleotide position 8041. The valine at codon 2681 is replaced by isoleucine, an amino acid with highly similar properties. This amino acid position is conserved. In addition, this alteration is predicted to be tolerated by in silico analysis. Based on the available evidence, the clinical significance of this variant remains unclear.